The following is an entry in ClinVar:

NM_004036.5(ADCY3):c.859G>A (p.Val287Met)

Gene: ADCY3 (adenylate cyclase 3; minus strand). Cytogenetic location: 2p23.3.
Variant type: single nucleotide variant.
Coding change: c.859G>A on transcript NM_004036.5 (MANE Select); coding-DNA position 859, G replaced by A.
Protein change: p.Val287Met; replaces valine 287 with methionine.
Molecular consequence: missense variant.
Genome position (GRCh38, 1-based): chr2:24,842,351, C>T on the plus strand (G>A on the coding strand, the complement: ADCY3 is on the minus strand). VCF-style: chr2-24842351-C-T. GRCh37 (hg19) VCF-style: chr2-25065220-C-T.
Other names: c.859G>A, p.Val287Met (NM_001320613.2, NM_001377128.1, NM_001377129.1 and 2 more transcripts); c.136G>A, p.Val46Met (NM_001377131.1); short protein forms V287M, V46M.
Identifiers: ClinVar variation 4995060 (VCV004995060.1).

ClinVar aggregate classification (germline): Uncertain significance (1 of 4 stars; one submission).

Conditions:
ADCY3-related disorder. Also called: ADCY3-related condition.

gnomAD v4.1: 4 of 1,614,134 alleles (0.00025%); highest among the groups gnomAD compares: South Asian, 0.0011%; no homozygotes.

Submission:

PreventionGenetics, part of Exact Sciences
Classification: Uncertain significance for ADCY3-related condition. Last evaluated: 2026-08-05. Review status: criteria provided, single submitter. Criteria: ACMG Guidelines, 2015. Collection method: clinical testing. Allele origin: germline.
Comment: The ADCY3 c.859G>A variant is predicted to result in the amino acid substitution p.Val287Met. To our knowledge, this variant has not been reported in the literature. This variant is reported in 0.0033% of alleles in individuals of South Asian descent in gnomAD. At this time, the clinical significance of this variant is uncertain due to the absence of conclusive functional and genetic evidence.